The following is an entry in ClinVar:

NM_018486.3(HDAC8):c.20C>T (p.Pro7Leu)

Gene: HDAC8 (histone deacetylase 8; minus strand). Cytogenetic location: Xq13.1.
Variant type: single nucleotide variant.
Coding change: c.20C>T on transcript NM_018486.3 (MANE Select); coding-DNA position 20, C replaced by T.
Protein change: p.Pro7Leu; replaces proline 7 with leucine.
Molecular consequence: missense variant. On other transcripts: non-coding transcript variant (1).
Genome position (GRCh38, 1-based): chrX:72,572,742, G>A on the plus strand (C>T on the coding strand, the complement: HDAC8 is on the minus strand). VCF-style: chrX-72572742-G-A. GRCh37 (hg19) VCF-style: chrX-71792592-G-A.
Other names: c.20C>T, p.Pro7Leu (NM_001166418.2, NM_001166419.2, NM_001166420.2 and 2 more transcripts); short protein forms P7L.
Identifiers: ClinVar variation 599425 (VCV000599425.5), dbSNP rs147689487, ClinGen allele CA10450377.

ClinVar aggregate classification (germline): Benign (1 of 4 stars; one submission).

Allele frequency attached by ClinVar (database versions not stated): TOPMed 0.00002.
gnomAD v4.1: 10 of 1,207,060 alleles (0.00083%); highest among the groups gnomAD compares: South Asian, 0.0071%; no homozygotes.

Submission:

Institute for Genomic Medicine (IGM) Clinical Laboratory, Nationwide Children's Hospital
Classification: Benign. Last evaluated: 2017-11-14. Review status: criteria provided, single submitter. Criteria: ACMG Guidelines, 2015. Collection method: clinical testing. Allele origin: germline.
Comment: BS1, BS2, BP4; This alteration has an allele frequency that is greater than expected for the associated disease, was seen in a healthy adult where full penetrance of the disorder is expected at an early age, and is predicted to be tolerated by multiple functional prediction tools.